The following is an entry in ClinVar:

ClinVar aggregate classification (germline): Likely pathogenic. Review status: criteria provided, single submitter (1 of 4 stars). 2 submissions from 2 submitters: Likely pathogenic (1). 1 of the submissions does not count toward it. Last evaluated 2025-09-18.

Conditions:
Alport syndrome. Also called: Hemorrhagic familial nephritis; Hemorrhagic hereditary nephritis; Congenital hereditary hematuria. Identifiers: Orphanet 63, MedGen C1567741, MONDO:0018965.
Hematuria. Identifiers: MedGen C0018965, HP:0000790.

Submissions (2):

Genetics Laboratory, Great Ormond Street Hospital NHS Foundation Trust, North Thames Genomic Laboratory Hub
Classification: Likely pathogenic for Haematuria. Last evaluated: 2025-09-18. Review status: criteria provided, single submitter. Criteria: ACGS Best Practice Guidelines for Variant Classification in Rare Disease 2024 v1.2. Collection method: clinical testing. Allele origin: germline. Affected: yes.
Comment: PS4_moderate, PM2_moderate, PVS1_moderate

Sydney Genome Diagnostics, Children's Hospital Westmead
Classification: Pathogenic for Alport syndrome. Last evaluated: 2018-05-31. Review status: no assertion criteria provided. Collection method: clinical testing. Allele origin: unknown. Affected: yes. Observed: 1 variant allele, 1 heterozygote. Not counted in ClinVar's aggregate classification.
Comment: This variant abolishes the splice acceptor site and is considered to be pathogenic. This variant is reported in the Alport COL4A5 database by Wang et al 2012 JMD 14(6):586. The authors found this variant using cDNA analysis of skin fibroblasts and reported the variant as r.1166delG (p.A390fs).

NM_033380.3(COL4A5):c.1166-1G>A

Gene: COL4A5 (collagen type IV alpha 5 chain; plus strand). Cytogenetic location: Xq22.3.
Variant type: single nucleotide variant.
Coding change: c.1166-1G>A on transcript NM_033380.3 (MANE Select); the canonical splice acceptor site of the intron before coding-DNA position 1166, G replaced by A.
Molecular consequence: splice acceptor variant.
Genome position (GRCh38, 1-based): chrX:108,591,057, G>A. VCF-style: chrX-108591057-G-A. GRCh37 (hg19) VCF-style: chrX-107834287-G-A.
Other names: c.1166-1G>A (NM_000495.5).
Identifiers: ClinVar variation 587120 (VCV000587120.4), dbSNP rs1569492951, ClinGen allele CA413932027.